The following is an entry in ClinVar:

NM_024675.4(PALB2):c.2060C>G (p.Pro687Arg)

Gene: PALB2 (partner and localizer of BRCA2; minus strand). Cytogenetic location: 16p12.2.
Variant type: single nucleotide variant.
Coding change: c.2060C>G on transcript NM_024675.4 (MANE Select); coding-DNA position 2060, C replaced by G.
Protein change: p.Pro687Arg; replaces proline 687 with arginine.
Molecular consequence: missense variant. On other transcripts: intron variant (1).
Genome position (GRCh38, 1-based): chr16:23,630,094, G>C on the plus strand (C>G on the coding strand, the complement: PALB2 is on the minus strand). VCF-style: chr16-23630094-G-C. GRCh37 (hg19) VCF-style: chr16-23641415-G-C.
Other names: c.2060C>G, p.Pro687Arg (NM_001407298.1, NM_001407299.1, NM_001407300.1 and 3 more transcripts); c.1175C>G, p.Pro392Arg (NM_001407304.1, NM_001407305.1, NM_001407306.1 and 5 more transcripts); c.272C>G, p.Pro91Arg (NM_001407312.1, NM_001407313.1); c.49-819C>G (NM_001407314.1); c.2000C>G, p.Pro667Arg (NM_001407296.1); short protein forms P687R, P392R, P667R, P91R.
Identifiers: ClinVar variation 2830401 (VCV002830401.3), dbSNP rs2142382172, ClinGen allele CA395126747.

ClinVar aggregate classification (germline): Uncertain significance (1 of 4 stars; one submission).

Conditions:
Familial cancer of breast. Also called: hereditary breast carcinoma; BREAST CANCER, FAMILIAL; Hereditary breast cancer. Identifiers: Orphanet 227535, MedGen C0346153, MONDO:0016419, OMIM 114480. Disease mechanism: loss of function.

Submission:

Labcorp Genetics (formerly Invitae), Labcorp
Classification: Uncertain significance for Familial cancer of breast. Last evaluated: 2023-01-20. Review status: criteria provided, single submitter. Criteria: Invitae Variant Classification Sherloc (09022015). Collection method: clinical testing. Allele origin: germline.
Comment: In summary, the available evidence is currently insufficient to determine the role of this variant in disease. Therefore, it has been classified as a Variant of Uncertain Significance. Algorithms developed to predict the effect of missense changes on protein structure and function (SIFT, PolyPhen-2, Align-GVGD) all suggest that this variant is likely to be disruptive. This variant has not been reported in the literature in individuals affected with PALB2-related conditions. This variant is not present in population databases (gnomAD no frequency). This sequence change replaces proline, which is neutral and non-polar, with arginine, which is basic and polar, at codon 687 of the PALB2 protein (p.Pro687Arg).